The following is an entry in ClinVar:

NM_001370466.1(NOD2):c.1413A>C (p.Glu471Asp)

Gene: NOD2 (nucleotide binding oligomerization domain containing 2; plus strand). Cytogenetic location: 16q12.1.
Variant type: single nucleotide variant.
Coding change: c.1413A>C on transcript NM_001370466.1 (MANE Select); coding-DNA position 1413, A replaced by C.
Protein change: p.Glu471Asp; replaces glutamic acid 471 with aspartic acid.
Molecular consequence: missense variant. On other transcripts: non-coding transcript variant (1).
Genome position (GRCh38, 1-based): chr16:50,711,405, A>C. VCF-style: chr16-50711405-A-C. GRCh37 (hg19) VCF-style: chr16-50745316-A-C.
Other names: c.1413A>C, p.Glu471Asp (NM_001293557.2); c.1494A>C, p.Glu498Asp (NM_022162.3); short protein forms E498D, E471D.
Identifiers: ClinVar variation 565494 (VCV000565494.9), dbSNP rs1361409611, ClinGen allele CA395869044.

ClinVar aggregate classification (germline): Uncertain significance (1 of 4 stars; one submission).

Conditions:
Blau syndrome (BLAUS). Also called: ARTHROCUTANEOUVEAL GRANULOMATOSIS; GRANULOMATOSIS, FAMILIAL JUVENILE SYSTEMIC; GRANULOMATOSIS, FAMILIAL, BLAU TYPE; GRANULOMATOUS INFLAMMATORY ARTHRITIS, DERMATITIS, AND UVEITIS, FAMILIAL; JABS SYNDROME. Identifiers: Orphanet 90340, MedGen C5201146, MONDO:0008523, OMIM 186580.
Regional enteritis. Also called: Enteritis, Granulomatous. Identifiers: MedGen C0678202, MeSH D003424.

Allele frequency attached by ClinVar (database versions not stated): gnomAD 0.00001; TOPMed 0.00002.
gnomAD v4.1: 5 of 1,613,528 alleles (0.00031%); highest among the groups gnomAD compares: Non-Finnish European, 0.00042%; no homozygotes.

Submission:

Labcorp Genetics (formerly Invitae), Labcorp
Classification: Uncertain significance for Regional enteritis; Blau syndrome. Last evaluated: 2022-03-10. Review status: criteria provided, single submitter. Criteria: Invitae Variant Classification Sherloc (09022015). Collection method: clinical testing. Allele origin: germline.
Comment: This sequence change replaces glutamic acid, which is acidic and polar, with aspartic acid, which is acidic and polar, at codon 498 of the NOD2 protein (p.Glu498Asp). In summary, the available evidence is currently insufficient to determine the role of this variant in disease. Therefore, it has been classified as a Variant of Uncertain Significance. This variant disrupts the p.Glu498 amino acid residue in NOD2. Other variant(s) that disrupt this residue have been observed in individuals with NOD2-related conditions (PMID: 24876985), which suggests that this may be a clinically significant amino acid residue. Advanced modeling of protein sequence and biophysical properties (such as structural, functional, and spatial information, amino acid conservation, physicochemical variation, residue mobility, and thermodynamic stability) performed at Invitae indicates that this missense variant is not expected to disrupt NOD2 protein function. ClinVar contains an entry for this variant (Variation ID: 565494). This missense change has been observed in individual(s) with Blau syndrome (PMID: 34251956). This variant is present in population databases (no rsID available, gnomAD 0.002%).

Literature cited by the submitters: PubMed 24876985; PubMed 34251956.